The following is an entry in ClinVar:

NM_006084.5(IRF9):c.152G>A (p.Arg51Gln)

Gene: IRF9 (interferon regulatory factor 9; plus strand). Cytogenetic location: 14q12.
Variant type: single nucleotide variant.
Coding change: c.152G>A on transcript NM_006084.5 (MANE Select); coding-DNA position 152, G replaced by A.
Protein change: p.Arg51Gln; replaces arginine 51 with glutamine.
Molecular consequence: missense variant.
Genome position (GRCh38, 1-based): chr14:24,162,296, G>A. VCF-style: chr14-24162296-G-A. GRCh37 (hg19) VCF-style: chr14-24631505-G-A.
Other names: c.152G>A, p.Arg51Gln (NM_001385400.1, NM_001385401.1, NM_001385402.1); short protein forms R51Q.
Identifiers: ClinVar variation 1410256 (VCV001410256.9), dbSNP rs201638725, ClinGen allele CA7126356.

ClinVar aggregate classification (germline): Uncertain significance. Review status: criteria provided, multiple submitters, no conflicts (2 of 4 stars). 2 submissions from 2 submitters: Uncertain significance (2). Last evaluated 2025-08-19.

Conditions:
Immunodeficiency 65, susceptibility to viral infections. Identifiers: MedGen C5231441, MONDO:0032848, OMIM 618648.

Allele frequency attached by ClinVar (database versions not stated): gnomAD exomes 0.00002; ESP Exome Variant Server 0.00015.
gnomAD v4.1: 30 of 1,613,944 alleles (0.0019%); highest among the groups gnomAD compares: Non-Finnish European, 0.0024%; no homozygotes.

Submissions (2):

Labcorp Genetics (formerly Invitae), Labcorp
Classification: Uncertain significance. Last evaluated: 2025-08-19. Review status: criteria provided, single submitter. Criteria: Invitae Variant Classification Sherloc (09022015). Collection method: clinical testing. Allele origin: germline.
Comment: This sequence change replaces arginine, which is basic and polar, with glutamine, which is neutral and polar, at codon 51 of the IRF9 protein (p.Arg51Gln). This variant is present in population databases (rs201638725, gnomAD 0.006%). This variant has not been reported in the literature in individuals affected with IRF9-related conditions. ClinVar contains an entry for this variant (Variation ID: 1410256). An algorithm developed to predict the effect of missense changes on protein structure and function (PolyPhen-2) suggests that this variant is likely to be disruptive. In summary, the available evidence is currently insufficient to determine the role of this variant in disease. Therefore, it has been classified as a Variant of Uncertain Significance.

Department of Pathology and Laboratory Medicine, Sinai Health System
Classification: Uncertain significance for Immunodeficiency 65, susceptibility to viral infections. Last evaluated: 2020-07-03. Review status: criteria provided, single submitter. Criteria: ACMG Guidelines, 2015. Collection method: research. Allele origin: germline.